The following is an entry in ClinVar:

NM_000390.4(CHM):c.692del (p.Asp230_Leu231insTer)

Gene: CHM (CHM Rab escort protein; minus strand). Cytogenetic location: Xq21.2.
Variant type: Deletion.
Coding change: c.692del on transcript NM_000390.4 (MANE Select); coding-DNA position 692, one base deleted (T; older notation c.692delT).
Protein change: p.Asp230_Leu231insTer.
Molecular consequence: nonsense.
Genome position (GRCh38, 1-based): chrX:85,963,675, A deleted on the plus strand (T on the coding strand, the reverse complement: CHM is on the minus strand); the first of 3 consecutive A bases (chrX:85,963,675-85,963,677); deleting any one gives the same sequence. VCF-style (leftmost placement, unchanged base first): chrX-85963674-TA-T. GRCh37 (hg19) VCF-style: chrX-85218679-TA-T.
Other names: c.248del, p.Asp82_Leu83insTer (NM_001320959.1, NM_001362517.1, NM_001362518.2 and 1 more transcripts).
Identifiers: ClinVar variation 3663068 (VCV003663068.2).

ClinVar aggregate classification (germline): Pathogenic (1 of 4 stars; one submission).

Submission:

Labcorp Genetics (formerly Invitae), Labcorp
Classification: Pathogenic. Last evaluated: 2024-10-05. Review status: criteria provided, single submitter. Criteria: Invitae Variant Classification Sherloc (09022015). Collection method: clinical testing. Allele origin: germline.
Comment: This sequence change creates a premature translational stop signal (p.Leu231*) in the CHM gene. It is expected to result in an absent or disrupted protein product. Loss-of-function variants in CHM are known to be pathogenic (PMID: 9067750, 23811034). This variant is not present in population databases (gnomAD no frequency). This variant has not been reported in the literature in individuals affected with CHM-related conditions. For these reasons, this variant has been classified as Pathogenic.

Literature cited by the submitters: PubMed 9067750; PubMed 23811034.